The following is an entry in ClinVar:

ClinVar aggregate classification (germline): Uncertain significance. Review status: criteria provided, multiple submitters, no conflicts (2 of 4 stars). 3 submissions from 3 submitters: Uncertain significance (2). 1 of the submissions does not count toward it. Last evaluated 2024-09-30.

Conditions:
PKD1-related disorder. Also called: PKD1-related condition.
Polycystic kidney disease, adult type (PKD1). Also called: POLYCYSTIC KIDNEY DISEASE, ADULT, TYPE I; Polycystic Kidney Disease 1, Autosomal Dominant; Polycystic kidney disease 1; Polycystic kidney disease 1, severe; Polycystic Kidney, Autosomal Dominant; POLYCYSTIC KIDNEY DISEASE 1 WITH OR WITHOUT POLYCYSTIC LIVER DISEASE. Identifiers: MedGen C3149841, MONDO:0008263, OMIM 173900.

gnomAD v4.1: 1 of 1,611,520 alleles (0.000062%); highest among the groups gnomAD compares: African/African-American, 0.0013%; no homozygotes.

Submissions (3):

Blueprint Genetics
Classification: Uncertain significance. Last evaluated: 2024-09-30. Review status: criteria provided, single submitter. Criteria: ACMG Guidelines, 2015. Collection method: clinical testing. Allele origin: germline.

Fulgent Genetics
Classification: Uncertain significance for Polycystic kidney disease, adult type. Last evaluated: 2024-03-06. Review status: criteria provided, single submitter. Criteria: ACMG Guidelines, 2015. Collection method: clinical testing. Allele origin: germline.

PreventionGenetics, part of Exact Sciences
Classification: Uncertain significance for PKD1-related condition. Last evaluated: 2024-02-13. Review status: no assertion criteria provided. Collection method: clinical testing. Allele origin: germline. Not counted in ClinVar's aggregate classification.
Comment: The PKD1 c.11426G>A variant is predicted to result in the amino acid substitution p.Gly3809Asp. To our knowledge, this variant has not been reported in the literature or in a large population database, indicating this variant is rare. Of note, a different substitution at the same codon, defined as c.11426G>T (p.Gly3809Val), was reported in an individual with autosomal dominant polycystic kidney disease (ADPKD), and classified as likely pathogenic (Carrera et al. 2016. PubMed ID: 27499327, Suppl. Table S5). Although we suspect that the c.11426G>A (p.Gly3809Asp) variant is pathogenic, at this time, the clinical significance of this variant is uncertain due to the absence of conclusive functional and genetic evidence.

NM_001009944.3(PKD1):c.11426G>A (p.Gly3809Asp)

Genes: PKD1 (polycystin 1, transient receptor potential channel interacting; minus strand), PKD1-AS1 (PKD1 antisense RNA 1; plus strand). Cytogenetic location: 16p13.3.
Variant type: single nucleotide variant.
Coding change: c.11426G>A on transcript NM_001009944.3 (MANE Select); coding-DNA position 11426, G replaced by A.
Protein change: p.Gly3809Asp; replaces glycine 3809 with aspartic acid.
Molecular consequence: missense variant.
Genome position (GRCh38, 1-based): chr16:2,091,892, C>T on the plus strand (G>A on the coding strand, the complement: PKD1 is on the minus strand). VCF-style: chr16-2091892-C-T. GRCh37 (hg19) VCF-style: chr16-2141893-C-T.
Other names: c.11423G>A, p.Gly3808Asp (NM_000296.4); short protein forms G3808D, G3809D.
Identifiers: ClinVar variation 3061316 (VCV003061316.4), dbSNP rs2854584, ClinGen allele CA394333461.